The following is an entry in ClinVar:

NM_000463.3(UGT1A1):c.1084+1G>T

Genes: UGT1A6 (UDP glucuronosyltransferase family 1 member A6; plus strand), UGT1A7 (UDP glucuronosyltransferase family 1 member A7; plus strand), UGT1A3 (UDP glucuronosyltransferase family 1 member A3; plus strand), UGT1A4 (UDP glucuronosyltransferase family 1 member A4; plus strand), UGT1A (UDP glucuronosyltransferase family 1 member A complex locus; plus strand) and 5 more. Cytogenetic location: 2q37.1.
Variant type: single nucleotide variant.
Coding change: c.1084+1G>T on transcript NM_000463.3 (MANE Select); the canonical splice donor site of the intron after coding-DNA position 1084, G replaced by T.
Molecular consequence: splice donor variant.
Genome position (GRCh38, 1-based): chr2:233,767,937, G>T. VCF-style: chr2-233767937-G-T. GRCh37 (hg19) VCF-style: chr2-234676583-G-T.
Other names: c.1075+1G>T (NM_019076.5, NM_019075.4, NM_021027.3 and 1 more transcripts); c.280+1G>T (NM_205862.3); c.1081+1G>T (NM_001072.4); c.1087+1G>T (NM_019078.2, NM_007120.3, NM_019093.4).
Identifiers: ClinVar variation 160229 (VCV000160229.16), dbSNP rs587784535, ClinGen allele CA173821.

ClinVar aggregate classification (germline): Pathogenic/Likely pathogenic. Review status: criteria provided, multiple submitters, no conflicts (2 of 4 stars). 4 submissions from 4 submitters: Pathogenic (2); Likely pathogenic (2). Last evaluated 2020-10-31.

Conditions:
UGT1A1-related disorder. Also called: UGT1A1-related condition; UGT1A1-related disorders.
Hyperbilirubinemia. Identifiers: MedGen C0311468, MONDO:0024288, HP:0002904.

Allele frequency attached by ClinVar (database versions not stated): gnomAD exomes below 0.00001.
gnomAD v4.1: 5 of 1,614,210 alleles (0.00031%); highest among the groups gnomAD compares: Non-Finnish European, 0.00042%; no homozygotes.

Submissions (4):

ARUP Laboratories, Molecular Genetics and Genomics, ARUP Laboratories
Classification: Likely pathogenic. Last evaluated: 2020-10-31. Review status: criteria provided, single submitter. Criteria: ARUP Molecular Germline Variant Investigation Process 2021. Collection method: clinical testing. Allele origin: germline.
Comment: The UGT1A1 c.1084+1G>T variant (rs587784535), to our knowledge, is not reported in the medical literature or gene specific databases, but is reported as pathogenic in ClinVar (Variation ID: 160229). This variant is absent from general population databases (Exome Variant Server, Genome Aggregation Database), indicating it is not a common polymorphism. This variant disrupts the canonical splice donor site of intron 3, which is likely to negatively impact gene function. Based on available information, this variant is considered to be likely pathogenic.

Blueprint Genetics
Classification: Likely pathogenic for UGT1A1-related disorders. Last evaluated: 2019-04-03. Review status: criteria provided, single submitter. Criteria: ACMG Guidelines, 2015. Collection method: clinical testing. Allele origin: germline. Affected: yes. Observed: 1 variant allele.

Eurofins Ntd Llc (ga)
Classification: Pathogenic. Last evaluated: 2018-06-18. Review status: criteria provided, single submitter. Criteria: EGL ClinVar v180209 classification definitions. Collection method: clinical testing. Allele origin: germline. Observed: 1 variant allele, 1 heterozygote.

Genetic Services Laboratory, University of Chicago
Classification: Pathogenic for Hyperbilirubinemia. Last evaluated: 2014-03-24. Review status: criteria provided, single submitter. Criteria: ACMG Guidelines, 2007. Collection method: clinical testing. Allele origin: germline. Inheritance: Autosomal recessive inheritance. Affected: yes.